The following is an entry in ClinVar:

ClinVar aggregate classification (germline): Uncertain significance (1 of 4 stars; one submission).

Conditions:
Ehlers-Danlos syndrome, type 4 (EDSVASC). Also called: Ehlers-Danlos Syndrome Type IV; Ehlers-Danlos syndrome vascular type; Ehlers Danlos syndrome, ecchymotic type; Ehlers Danlos syndrome, arterial type; Ehlers Danlos syndrome, Sack-Barabas type. Identifiers: Orphanet 286, MedGen C0268338, MONDO:0017314, OMIM 130050.

Allele frequency attached by ClinVar (database versions not stated): TOPMed 0.00002.
gnomAD v4.1: 1 of 1,612,204 alleles (0.000062%); highest among the groups gnomAD compares: Non-Finnish European, 0.000085%; no homozygotes.

Submission:

Labcorp Genetics (formerly Invitae), Labcorp
Classification: Uncertain significance for Ehlers-Danlos syndrome, type 4. Last evaluated: 2022-03-15. Review status: criteria provided, single submitter. Criteria: Invitae Variant Classification Sherloc (09022015). Collection method: clinical testing. Allele origin: germline.
Comment: In summary, the available evidence is currently insufficient to determine the role of this variant in disease. Therefore, it has been classified as a Variant of Uncertain Significance. Advanced modeling of protein sequence and biophysical properties (such as structural, functional, and spatial information, amino acid conservation, physicochemical variation, residue mobility, and thermodynamic stability) performed at Invitae indicates that this missense variant is not expected to disrupt COL3A1 protein function. ClinVar contains an entry for this variant (Variation ID: 404288). This variant has not been reported in the literature in individuals affected with COL3A1-related conditions. This variant is not present in population databases (gnomAD no frequency). This sequence change replaces arginine, which is basic and polar, with glycine, which is neutral and non-polar, at codon 97 of the COL3A1 protein (p.Arg97Gly).

NM_000090.4(COL3A1):c.289C>G (p.Arg97Gly)

Gene: COL3A1 (collagen type III alpha 1 chain; plus strand). Cytogenetic location: 2q32.2.
Variant type: single nucleotide variant.
Coding change: c.289C>G on transcript NM_000090.4 (MANE Select); coding-DNA position 289, C replaced by G.
Protein change: p.Arg97Gly; replaces arginine 97 with glycine.
Molecular consequence: missense variant.
Genome position (GRCh38, 1-based): chr2:188,985,203, C>G. VCF-style: chr2-188985203-C-G. GRCh37 (hg19) VCF-style: chr2-189849929-C-G.
Other names: short protein forms R97G.
Identifiers: ClinVar variation 404288 (VCV000404288.9), dbSNP rs768671254, ClinGen allele CA16610536.
Genomic context (GRCh38, chr2:188,985,203, plus strand): 5'-AAATAATATGCAAATTCTGTGTCTTGTTTAACTTGTTTCTTTTCCATTTATTAGCCTACT[C>G]GCCCTCCTAATGGTCAAGGACCTCAAGGCCCCAAGGGAGATCCAGTAAGTAAACATTCTT-3'
Protein context (NP_000081.2, residues 87-107): VCPQPPTAPT[Arg97Gly]PPNGQGPQGP